The following is an entry in ClinVar:

NM_001267550.2(TTN):c.82934G>A (p.Arg27645His)

Genes: TTN (titin; minus strand), TTN-AS1 (TTN antisense RNA 1; plus strand). Cytogenetic location: 2q31.2.
Variant type: single nucleotide variant.
Coding change: c.82934G>A on transcript NM_001267550.2 (MANE Select); coding-DNA position 82934, G replaced by A.
Protein change: p.Arg27645His; replaces arginine 27645 with histidine.
Molecular consequence: missense variant.
Genome position (GRCh38, 1-based): chr2:178,563,198, C>T on the plus strand (G>A on the coding strand, the complement: TTN is on the minus strand). VCF-style: chr2-178563198-C-T. GRCh37 (hg19) VCF-style: chr2-179427925-C-T.
Other names: c.78011G>A, p.Arg26004His (NM_001256850.1); c.55739G>A, p.Arg18580His (NM_003319.4); c.75230G>A, p.Arg25077His (NM_133378.4); c.56114G>A, p.Arg18705His (NM_133432.3); c.56315G>A, p.Arg18772His (NM_133437.4); short protein forms R27645H, R18580H, R18705H, R26004H, R18772H, R25077H.
Identifiers: ClinVar variation 405051 (VCV000405051.49), dbSNP rs766522109, ClinGen allele CA1988998.
Genomic context (GRCh38, chr2:178,563,198, plus strand): 5'-ACCACTGAGCCAGGTAGAGTTGCAGGTTCACCTACACCTTCAGAATTGATGGCACAAATA[C>T]GGAAGTTATATTCAGTGTTTTCTTTAAGCTTGGTCACTGTGAACTGCTTTCCTTGTAATC-3'
Protein context (NP_001254479.2, residues 27635-27655): KLKENTEYNF[Arg27645His]ICAINSEGVG

ClinVar aggregate classification (germline): Conflicting classifications of pathogenicity. Review status: criteria provided, conflicting classifications (1 of 4 stars). 5 submissions from 5 submitters: Uncertain significance (4); Likely benign (1). Last evaluated 2025-09-29.

Conditions:
Autosomal recessive limb-girdle muscular dystrophy type 2J (LGMDR10). Also called: Limb-girdle muscular dystrophy, type 2J; MUSCULAR DYSTROPHY, LIMB-GIRDLE, AUTOSOMAL RECESSIVE 10. Identifiers: Orphanet 140922, MedGen C1837342, MONDO:0012127, OMIM 608807.
Dilated cardiomyopathy 1G (CMD1G). Identifiers: Orphanet 154, MedGen C1858763, MONDO:0011400, OMIM 604145.
TTN-related disorder. Also called: TTN-related condition; TTN-related disease; TTN-related disorders.
Cardiovascular phenotype. Identifiers: MedGen CN230736.

Allele frequency attached by ClinVar (database versions not stated): gnomAD 0.00001; gnomAD exomes 0.00001; ExAC 0.00002; TOPMed 0.00004.
gnomAD v4.1: 15 of 1,613,622 alleles (0.00093%); highest among the groups gnomAD compares: South Asian, 0.0033%; no homozygotes.

Submissions (5):

PreventionGenetics, part of Exact Sciences
Classification: Uncertain significance for TTN-related condition. Last evaluated: 2025-09-29. Review status: criteria provided, single submitter. Criteria: ACMG Guidelines, 2015. Collection method: clinical testing. Allele origin: germline.
Comment: The TTN c.82934G>A variant is predicted to result in the amino acid substitution p.Arg27645His. To our knowledge, this variant has not been reported in the literature. This variant is reported in 0.0065% of alleles in individuals of South Asian descent in gnomAD. At this time, the clinical significance of this variant is uncertain due to the absence of conclusive functional and genetic evidence.

CeGaT Center for Human Genetics Tuebingen
Classification: Uncertain significance. Last evaluated: 2019-05-01. Review status: criteria provided, single submitter. Criteria: CeGaT Center For Human Genetics Tuebingen Variant Classification Criteria Version 2. Collection method: clinical testing. Allele origin: germline. Affected: yes. Observed: 1 variant allele.

Ambry Genetics
Classification: Uncertain significance for Cardiovascular phenotype. Last evaluated: 2018-09-25. Review status: criteria provided, single submitter. Criteria: Ambry Variant Classification Scheme 2023. Collection method: clinical testing. Allele origin: germline.
Comment: The p.R18580H variant (also known as c.55739G>A), located in coding exon 153 of the TTN gene, results from a G to A substitution at nucleotide position 55739. The arginine at codon 18580 is replaced by histidine, an amino acid with highly similar properties. This amino acid position is highly conserved in available vertebrate species. In addition, the in silico prediction for this alteration is inconclusive. Since supporting evidence is limited at this time, the clinical significance of this alteration remains unclear.

GeneDx
Classification: Likely benign. Last evaluated: 2018-04-24. Review status: criteria provided, single submitter. Criteria: GeneDx Variant Classification (06012015). Collection method: clinical testing. Allele origin: germline. Affected: yes.
Comment: This variant is considered likely benign or benign based on one or more of the following criteria: it is a conservative change, it occurs at a poorly conserved position in the protein, it is predicted to be benign by multiple in silico algorithms, and/or has population frequency not consistent with disease.

Labcorp Genetics (formerly Invitae), Labcorp
Classification: Uncertain significance for Dilated cardiomyopathy 1G; Autosomal recessive limb-girdle muscular dystrophy type 2J. Last evaluated: 2016-04-18. Review status: criteria provided, single submitter. Criteria: Invitae Variant Classification Sherloc (09022015). Collection method: clinical testing. Allele origin: germline.